The following is an entry in ClinVar:

NM_016097.5(IER3IP1):c.118G>T (p.Gly40Cys)

Gene: IER3IP1 (immediate early response 3 interacting protein 1; minus strand). Cytogenetic location: 18q21.1.
Variant type: single nucleotide variant.
Coding change: c.118G>T on transcript NM_016097.5 (MANE Select); coding-DNA position 118, G replaced by T.
Protein change: p.Gly40Cys; replaces glycine 40 with cysteine.
Molecular consequence: missense variant.
Genome position (GRCh38, 1-based): chr18:47,157,511, C>A on the plus strand (G>T on the coding strand, the complement: IER3IP1 is on the minus strand). VCF-style: chr18-47157511-C-A. GRCh37 (hg19) VCF-style: chr18-44683882-C-A.
Other names: short protein forms G40C.
Identifiers: ClinVar variation 953363 (VCV000953363.6), dbSNP rs753437838, ClinGen allele CA300177427.

ClinVar aggregate classification (germline): Uncertain significance. Review status: criteria provided, multiple submitters, no conflicts (2 of 4 stars). 2 submissions from 2 submitters: Uncertain significance (2). Last evaluated 2024-10-16.

Conditions:
Microcephaly, epilepsy, and diabetes syndrome. Identifiers: Orphanet 306558, MedGen C3280240, MONDO:0100328.

Allele frequency attached by ClinVar (database versions not stated): TOPMed 0.00010.
gnomAD v4.1: 2 of 1,614,000 alleles (0.00012%); highest among the groups gnomAD compares: African/African-American, 0.0027%; no homozygotes.

Submissions (2):

Women's Health and Genetics/Laboratory Corporation of America, LabCorp
Classification: Uncertain significance. Last evaluated: 2024-10-16. Review status: criteria provided, single submitter. Criteria: LabCorp Variant Classification Summary - May 2015. Collection method: clinical testing. Allele origin: germline.
Comment: Variant summary: IER3IP1 c.118G>T (p.Gly40Cys) results in a non-conservative amino acid change in the encoded protein sequence. Four of five in-silico tools predict a damaging effect of the variant on protein function. The variant was absent in 251398 control chromosomes. The available data on variant occurrences in the general population are insufficient to allow any conclusion about variant significance. To our knowledge, no occurrence of c.118G>T in individuals affected with Microcephaly, Epilepsy, And Diabetes Syndrome 1 and no experimental evidence demonstrating its impact on protein function have been reported. ClinVar contains an entry for this variant (Variation ID: 953363). Based on the evidence outlined above, the variant was classified as uncertain significance.

Labcorp Genetics (formerly Invitae), Labcorp
Classification: Uncertain significance for Microcephaly, epilepsy, and diabetes syndrome. Last evaluated: 2022-08-23. Review status: criteria provided, single submitter. Criteria: Invitae Variant Classification Sherloc (09022015). Collection method: clinical testing. Allele origin: germline.
Comment: This sequence change replaces glycine, which is neutral and non-polar, with cysteine, which is neutral and slightly polar, at codon 40 of the IER3IP1 protein (p.Gly40Cys). This variant is present in population databases (no rsID available, gnomAD 0.01%). This variant has not been reported in the literature in individuals affected with IER3IP1-related conditions. ClinVar contains an entry for this variant (Variation ID: 953363). Algorithms developed to predict the effect of missense changes on protein structure and function are either unavailable or do not agree on the potential impact of this missense change (SIFT: "Deleterious"; PolyPhen-2: "Probably Damaging"; Align-GVGD: "Class C0"). In summary, the available evidence is currently insufficient to determine the role of this variant in disease. Therefore, it has been classified as a Variant of Uncertain Significance.